The following is an entry in ClinVar:

NM_000257.4(MYH7):c.1888+4A>G

Gene: MYH7 (myosin heavy chain 7; minus strand). Cytogenetic location: 14q11.2.
Variant type: single nucleotide variant.
Coding change: c.1888+4A>G on transcript NM_000257.4 (MANE Select); 4 bases into the intron after coding-DNA position 1888, A replaced by G.
Molecular consequence: intron variant.
Genome position (GRCh38, 1-based): chr14:23,427,581, T>C on the plus strand (A>G on the coding strand, the complement: MYH7 is on the minus strand). VCF-style: chr14-23427581-T-C. GRCh37 (hg19) VCF-style: chr14-23896790-T-C.
Other names: c.1888+4A>G (NM_001407004.1).
Identifiers: ClinVar variation 2695545 (VCV002695545.3), dbSNP rs2502296256, ClinGen allele CA2697553867.

ClinVar aggregate classification (germline): Uncertain significance (1 of 4 stars; one submission).

Conditions:
Hypertrophic cardiomyopathy. Also called: HYPERTROPHIC MYOCARDIOPATHY. Identifiers: Orphanet 217569, MedGen C0007194, MeSH D002312, MONDO:0005045, HP:0001639.

Submission:

Labcorp Genetics (formerly Invitae), Labcorp
Classification: Uncertain significance for Hypertrophic cardiomyopathy. Last evaluated: 2023-11-13. Review status: criteria provided, single submitter. Criteria: Invitae Variant Classification Sherloc (09022015). Collection method: clinical testing. Allele origin: germline.
Comment: This sequence change falls in intron 16 of the MYH7 gene. It does not directly change the encoded amino acid sequence of the MYH7 protein. It affects a nucleotide within the consensus splice site. This variant is not present in population databases (gnomAD no frequency). This variant has not been reported in the literature in individuals affected with MYH7-related conditions. Variants that disrupt the consensus splice site are a relatively common cause of aberrant splicing (PMID: 17576681, 9536098). Algorithms developed to predict the effect of sequence changes on RNA splicing suggest that this variant may disrupt the consensus splice site. In summary, the available evidence is currently insufficient to determine the role of this variant in disease. Therefore, it has been classified as a Variant of Uncertain Significance.

Literature cited by the submitters: PubMed 17576681; PubMed 9536098.